The following is an entry in ClinVar:

ClinVar aggregate classification (germline): Uncertain significance (1 of 4 stars; one submission).

Conditions:
Aortic aneurysm, familial thoracic 6 (AAT6). Also called: FAMILIAL THORACIC AORTIC ANEURYSM WITH LIVEDO RETICULARIS AND IRIS FLOCCULI. Identifiers: MedGen C2673186, MONDO:0012730, OMIM 611788.

gnomAD v4.1: 1 of 1,613,948 alleles (0.000062%); highest among the groups gnomAD compares: Non-Finnish European, 0.000085%; no homozygotes.

Submission:

Labcorp Genetics (formerly Invitae), Labcorp
Classification: Uncertain significance for Aortic aneurysm, familial thoracic 6. Last evaluated: 2023-05-17. Review status: criteria provided, single submitter. Criteria: Invitae Variant Classification Sherloc (09022015). Collection method: clinical testing. Allele origin: germline.
Comment: This sequence change replaces arginine, which is basic and polar, with proline, which is neutral and non-polar, at codon 97 of the ACTA2 protein (p.Arg97Pro). This variant is not present in population databases (gnomAD no frequency). This variant has not been reported in the literature in individuals affected with ACTA2-related conditions. Advanced modeling of protein sequence and biophysical properties (such as structural, functional, and spatial information, amino acid conservation, physicochemical variation, residue mobility, and thermodynamic stability) performed at Invitae indicates that this missense variant is expected to disrupt ACTA2 protein function. In summary, the available evidence is currently insufficient to determine the role of this variant in disease. Therefore, it has been classified as a Variant of Uncertain Significance.

NM_001613.4(ACTA2):c.290G>C (p.Arg97Pro)

Gene: ACTA2 (actin alpha 2, smooth muscle; minus strand). Cytogenetic location: 10q23.31.
Variant type: single nucleotide variant.
Coding change: c.290G>C on transcript NM_001613.4 (MANE Select); coding-DNA position 290, G replaced by C.
Protein change: p.Arg97Pro; replaces arginine 97 with proline.
Molecular consequence: missense variant. On other transcripts: intron variant (1).
Genome position (GRCh38, 1-based): chr10:88,943,876, C>G on the plus strand (G>C on the coding strand, the complement: ACTA2 is on the minus strand). VCF-style: chr10-88943876-C-G. GRCh37 (hg19) VCF-style: chr10-90703633-C-G.
Other names: c.290G>C, p.Arg97Pro (NM_001141945.3, NM_001320855.2, NM_001406462.1 and 3 more transcripts); c.161G>C, p.Arg54Pro (NM_001406467.1, NM_001406468.1, NM_001406469.1); c.259-2007G>C (NM_001406466.1); short protein forms R54P, R97P.
Identifiers: ClinVar variation 2865246 (VCV002865246.2), dbSNP rs1055787195, ClinGen allele CA377512942.